The following is an entry in ClinVar:

ClinVar aggregate classification (germline): Uncertain significance (1 of 4 stars; one submission).

Conditions:
Hereditary cancer-predisposing syndrome. Also called: Neoplastic Syndromes, Hereditary; Tumor predisposition; Hereditary neoplastic syndrome; Hereditary Cancer Syndrome. Identifiers: Orphanet 140162, MedGen C0027672, MeSH D009386, MONDO:0015356.

Submission:

Ambry Genetics
Classification: Uncertain significance for Hereditary cancer-predisposing syndrome. Last evaluated: 2026-08-02. Review status: criteria provided, single submitter. Criteria: Ambry Variant Classification Scheme 2023. Collection method: clinical testing. Allele origin: germline.
Comment: The p.G956V variant (also known as c.2867G>T), located in coding exon 20 of the PDGFRA gene, results from a G to T substitution at nucleotide position 2867. The glycine at codon 956 is replaced by valine, an amino acid with dissimilar properties. This amino acid position is conserved. In addition, the in silico prediction for this alteration is inconclusive. Based on the available evidence, the clinical significance of this variant remains unclear.

NM_006206.6(PDGFRA):c.2867G>T (p.Gly956Val)

Gene: PDGFRA (platelet derived growth factor receptor alpha; plus strand). Cytogenetic location: 4q12.
Variant type: single nucleotide variant.
Coding change: c.2867G>T on transcript NM_006206.6 (MANE Select); coding-DNA position 2867, G replaced by T.
Protein change: p.Gly956Val; replaces glycine 956 with valine.
Molecular consequence: missense variant.
Genome position (GRCh38, 1-based): chr4:54,289,101, G>T. VCF-style: chr4-54289101-G-T. GRCh37 (hg19) VCF-style: chr4-55155268-G-T.
Other names: c.2942G>T, p.Gly981Val (NM_001347828.2); c.2867G>T, p.Gly956Val (NM_001347829.2); c.2906G>T, p.Gly969Val (NM_001347830.2); short protein forms G969V, G956V, G981V.
Identifiers: ClinVar variation 5026445 (VCV005026445.1).